The following is an entry in ClinVar:

ClinVar aggregate classification (germline): Uncertain significance (1 of 4 stars; one submission).

Conditions:
Glycogen storage disease, type II (IOPD). Also called: Glucosidase acid-1,4-alpha deficiency; Pompe Disease; POMPE DISEASE, INFANTILE-ONSET; GLYCOGEN STORAGE DISEASE II, INFANTILE-ONSET; ACID ALPHA-GLUCOSIDASE DEFICIENCY, INFANTILE-ONSET; GAA DEFICIENCY, INFANTILE-ONSET. Identifiers: Orphanet 365, MedGen C0017921, MONDO:0009290, OMIM 232300.

gnomAD v4.1: 1 of 1,612,422 alleles (0.000062%); highest among the groups gnomAD compares: East Asian, 0.0022%; no homozygotes.

Submission:

Labcorp Genetics (formerly Invitae), Labcorp
Classification: Uncertain significance for Glycogen storage disease, type II. Last evaluated: 2017-02-27. Review status: criteria provided, single submitter. Criteria: Invitae Variant Classification Sherloc (09022015). Collection method: clinical testing. Allele origin: germline.
Comment: This sequence change replaces glycine with arginine at codon 119 of the GAA protein (p.Gly119Arg). The glycine residue is weakly conserved and there is a moderate physicochemical difference between glycine and arginine. This variant is not present in population databases (ExAC no frequency) and has not been reported in the literature in individuals with a GAA-related disease. Algorithms developed to predict the effect of missense changes on protein structure and function output the following: (SIFT: "Tolerated"; PolyPhen-2: "Benign"; Align-GVGD: "Class C0"). The arginine amino acid residue is found in multiple mammalian species, suggesting that this missense change does not adversely affect protein function. These predictions have not been confirmed by published functional studies. In summary, this variant is a novel missense change that is not predicted to affect protein function. There is no indication that it causes disease, but the available evidence is currently insufficient to prove that conclusively. Therefore, it has been classified as a Variant of Uncertain Significance.

NM_000152.5(GAA):c.355G>A (p.Gly119Arg)

Gene: GAA (alpha glucosidase; plus strand). Cytogenetic location: 17q25.3.
Variant type: single nucleotide variant.
Coding change: c.355G>A on transcript NM_000152.5 (MANE Select); coding-DNA position 355, G replaced by A.
Protein change: p.Gly119Arg; replaces glycine 119 with arginine.
Molecular consequence: missense variant.
Genome position (GRCh38, 1-based): chr17:80,104,941, G>A. VCF-style: chr17-80104941-G-A. GRCh37 (hg19) VCF-style: chr17-78078740-G-A.
Other names: c.355G>A (LRG_673t1); c.355G>A, p.Gly119Arg (NM_001079803.3, NM_001079804.3); short protein forms G119R.
Identifiers: ClinVar variation 456420 (VCV000456420.7), dbSNP rs1555598802, ClinGen allele CA401360869.